The following is an entry in ClinVar:

ClinVar aggregate classification (germline): Uncertain significance (1 of 4 stars; one submission).

Conditions:
Cardiovascular phenotype. Identifiers: MedGen CN230736.
Hereditary cancer-predisposing syndrome. Also called: Tumor predisposition; Neoplastic Syndromes, Hereditary; Hereditary Cancer Syndrome; Hereditary neoplastic syndrome. Identifiers: Orphanet 140162, MedGen C0027672, MeSH D009386, MONDO:0015356.

Submission:

Ambry Genetics
Classification: Uncertain significance for Cardiovascular phenotype; Hereditary cancer-predisposing syndrome. Last evaluated: 2021-08-16. Review status: criteria provided, single submitter. Criteria: Ambry Variant Classification Scheme 2023. Collection method: clinical testing. Allele origin: germline.
Comment: The p.M1073I variant (also known as c.3219G>C), located in coding exon 25 of the NF1 gene, results from a G to C substitution at nucleotide position 3219. The methionine at codon 1073 is replaced by isoleucine, an amino acid with highly similar properties. This amino acid position is highly conserved in available vertebrate species. In addition, the in silico prediction for this alteration is inconclusive. Since supporting evidence is limited at this time, the clinical significance of this alteration remains unclear.

NM_001042492.3(NF1):c.3219G>C (p.Met1073Ile)

Gene: NF1 (neurofibromin 1; plus strand). Cytogenetic location: 17q11.2.
Variant type: single nucleotide variant.
Coding change: c.3219G>C on transcript NM_001042492.3 (MANE Select); coding-DNA position 3219, G replaced by C.
Protein change: p.Met1073Ile; replaces methionine 1073 with isoleucine.
Molecular consequence: missense variant.
Genome position (GRCh38, 1-based): chr17:31,232,094, G>C. VCF-style: chr17-31232094-G-C. GRCh37 (hg19) VCF-style: chr17-29559112-G-C.
Other names: c.3219G>C, p.Met1073Ile (NM_000267.4); short protein forms M1073I.
Identifiers: ClinVar variation 1729027 (VCV001729027.2), dbSNP rs2151433702, ClinGen allele CA398988653.